The following is an entry in ClinVar:

ClinVar aggregate classification (germline): Conflicting classifications of pathogenicity. Review status: criteria provided, conflicting classifications (1 of 4 stars). 6 submissions from 6 submitters: Uncertain significance (1); Likely benign (4). 1 of the submissions does not count toward it. Last evaluated 2026-01-19.

Conditions:
Inborn genetic diseases. Identifiers: MedGen C0950123, MeSH D030342.
Cohen syndrome (COH1). Also called: Cutis verticis gyrata, retinitis pigmentosa, and sensorineural deafness; PEPPER SYNDROME. Identifiers: Orphanet 193, MedGen C0265223, MONDO:0008999, OMIM 216550.

Allele frequency attached by ClinVar (database versions not stated): gnomAD exomes 0.00002 and 0.00001; ESP Exome Variant Server 0.00008; gnomAD 0.00024 and 0.00025; ExAC 0.00001; 1000 Genomes Project 0.00040; 1000 Genomes Project 30x 0.00047; TOPMed 0.00062.
gnomAD v4.1: 71 of 1,612,888 alleles (0.0044%); highest among the groups gnomAD compares: Admixed American, 0.083%; no homozygotes.

Submissions (6):

Labcorp Genetics (formerly Invitae), Labcorp
Classification: Likely benign for Cohen syndrome. Last evaluated: 2026-01-19. Review status: criteria provided, single submitter. Criteria: Invitae Variant Classification Sherloc (09022015). Collection method: clinical testing. Allele origin: germline.

Blueprint Genetics
Classification: Likely benign. Last evaluated: 2023-03-30. Review status: criteria provided, single submitter. Criteria: ACMG Guidelines, 2015. Collection method: clinical testing. Allele origin: germline.

Center for Genomics, Ann and Robert H. Lurie Children's Hospital of Chicago
Classification: Uncertain significance for Cohen syndrome. Last evaluated: 2021-03-30. Review status: criteria provided, single submitter. Criteria: ACMG Guidelines, 2015. Collection method: clinical testing. Allele origin: germline.
Comment: VPS13B NM_017890.4 exon 22 p.Thr1068= (c.3204A>G): This variant has not been reported in the literature but is present in 0.008% (3/34304) of Latino alleles in the Genome Aggregation Database. Evolutionary conservation and computational predictive tools for this variant are limited or unavailable. Of note, this variant is a silent variant and does not change the amino acid, reducing the probability that this variant is disease causing. In summary, data on this variant is insufficient for disease classification. Therefore, the clinical significance of this variant is uncertain.

GeneDx
Classification: Likely benign. Last evaluated: 2018-09-21. Review status: criteria provided, single submitter. Criteria: GeneDx Variant Classification Process June 2021. Collection method: clinical testing. Allele origin: germline. Affected: yes.

Ambry Genetics
Classification: Likely benign for Inborn genetic diseases. Last evaluated: 2016-08-01. Review status: criteria provided, single submitter. Criteria: Ambry Variant Classification Scheme 2023. Collection method: clinical testing. Allele origin: germline.

Natera, Inc.
Classification: Likely benign for Cohen syndrome. Last evaluated: 2020-09-16. Review status: no assertion criteria provided. Collection method: clinical testing. Allele origin: germline. Not counted in ClinVar's aggregate classification.

NM_152564.5(VPS13B):c.3204A>G (p.Thr1068=)

Gene: VPS13B (vacuolar protein sorting 13 homolog B; plus strand). Cytogenetic location: 8q22.2.
Variant type: single nucleotide variant.
Coding change: c.3204A>G on transcript NM_152564.5 (MANE Select); coding-DNA position 3204, A replaced by G.
Protein change: p.Thr1068=; no amino-acid change (threonine 1068 retained).
Molecular consequence: synonymous variant.
Genome position (GRCh38, 1-based): chr8:99,431,658, A>G. VCF-style: chr8-99431658-A-G. GRCh37 (hg19) VCF-style: chr8-100443886-A-G.
Other names: c.3204A>G, p.Thr1068= (NM_017890.5).
Identifiers: ClinVar variation 587986 (VCV000587986.22), dbSNP rs140090983, ClinGen allele CA4823186.